The following is an entry in ClinVar:

ClinVar aggregate classification (germline): Pathogenic (1 of 4 stars; one submission).

Conditions:
Cornelia de Lange syndrome 5 (CDLS5). Also called: HDAC8-Related Cornelia de Lange Syndrome. Identifiers: Orphanet 199, MedGen C3550903, MONDO:0010471, OMIM 300882.

Submission:

Labcorp Genetics (formerly Invitae), Labcorp
Classification: Pathogenic for Cornelia de Lange syndrome 5. Last evaluated: 2023-04-11. Review status: criteria provided, single submitter. Criteria: Invitae Variant Classification Sherloc (09022015). Collection method: clinical testing. Allele origin: unknown.
Comment: For these reasons, this variant has been classified as Pathogenic. This variant disrupts a region of the HDAC8 protein in which other variant(s) (p.Tyr340Ser) have been determined to be pathogenic (Invitae). This suggests that this is a clinically significant region of the protein, and that variants that disrupt it are likely to be disease-causing. This variant has not been reported in the literature in individuals affected with HDAC8-related conditions. This variant is a gross deletion of the genomic region encompassing exon(s) 10 of the HDAC8 gene. While this deletion is not anticipated to lead to nonsense mediated decay, it is expected to disrupt the C-terminus of the protein.

NC_000023.10:g.(?_71571563)_(71571708_?)del

Gene: HDAC8 (histone deacetylase 8; minus strand). Cytogenetic location: Xq13.1.
Variant type: Deletion.
Identifiers: ClinVar variation 3245515 (VCV003245515.1).